The following is an entry in ClinVar:

ClinVar aggregate classification (germline): Uncertain significance. Review status: criteria provided, multiple submitters, no conflicts (2 of 4 stars). 4 submissions from 4 submitters: Uncertain significance (4). Last evaluated 2025-07-15.

Conditions:
Cardiovascular phenotype. Identifiers: MedGen CN230736.
Charcot-Marie-Tooth disease type 2. Also called: Charcot-Marie-Tooth type 2. Identifiers: Orphanet 64746, MedGen C0270914, MONDO:0018993.
Cardiomyopathy (CMYO). Also called: Cardiomyopathies. Identifiers: Orphanet 167848, MedGen C0878544, MONDO:0004994, HP:0001638. Inheritance: Various modes of inheritance.

Allele frequency attached by ClinVar (database versions not stated): gnomAD exomes below 0.00001 and 0.00001; TOPMed below 0.00001.
gnomAD v4.1: 9 of 1,613,858 alleles (0.00056%); highest among the groups gnomAD compares: South Asian, 0.0011%; no homozygotes.

Submissions (4):

Color Diagnostics, LLC DBA Color Health
Classification: Uncertain significance for Cardiomyopathy. Last evaluated: 2025-07-15. Review status: criteria provided, single submitter. Criteria: ACMG Guidelines, 2015. Collection method: clinical testing. Allele origin: germline.
Comment: This missense variant replaces alanine with valine at codon 287 of the LMNA protein. Computational prediction is inconclusive regarding the impact of this variant on protein structure and function. To our knowledge, functional studies have not been reported for this variant. This variant has not been reported in individuals affected with LMNA-related disorders in the literature. This variant has been identified in 1/251034 chromosomes in the general population by the Genome Aggregation Database (gnomAD). The available evidence is insufficient to determine the role of this variant in disease conclusively. Therefore, this variant is classified as a Variant of Uncertain Significance.

Ambry Genetics
Classification: Uncertain significance for Cardiovascular phenotype. Last evaluated: 2025-02-06. Review status: criteria provided, single submitter. Criteria: Ambry Variant Classification Scheme 2023. Collection method: clinical testing. Allele origin: germline.
Comment: The p.A287V variant (also known as c.860C>T), located in coding exon 5 of the LMNA gene, results from a C to T substitution at nucleotide position 860. The alanine at codon 287 is replaced by valine, an amino acid with similar properties. This amino acid position is well conserved in available vertebrate species. In addition, the in silico prediction for this alteration is inconclusive. Based on the available evidence, the clinical significance of this variant remains unclear.

Labcorp Genetics (formerly Invitae), Labcorp
Classification: Uncertain significance for Charcot-Marie-Tooth disease type 2. Last evaluated: 2024-04-20. Review status: criteria provided, single submitter. Criteria: Invitae Variant Classification Sherloc (09022015). Collection method: clinical testing. Allele origin: germline.
Comment: This sequence change replaces alanine, which is neutral and non-polar, with valine, which is neutral and non-polar, at codon 287 of the LMNA protein (p.Ala287Val). This variant is present in population databases (rs397517910, gnomAD 0.0009%). This variant has not been reported in the literature in individuals affected with LMNA-related conditions. ClinVar contains an entry for this variant (Variation ID: 48087). Advanced modeling of protein sequence and biophysical properties (such as structural, functional, and spatial information, amino acid conservation, physicochemical variation, residue mobility, and thermodynamic stability) performed at Invitae indicates that this missense variant is expected to disrupt LMNA protein function with a positive predictive value of 95%. In summary, the available evidence is currently insufficient to determine the role of this variant in disease. Therefore, it has been classified as a Variant of Uncertain Significance.

Laboratory for Molecular Medicine, Mass General Brigham Personalized Medicine
Classification: Uncertain significance. Last evaluated: 2012-02-13. Review status: criteria provided, single submitter. Criteria: LMM Criteria. Collection method: clinical testing. Allele origin: germline. Observed: 2 variant alleles.
Comment: The Ala287Val variant (LMNA) has not been reported in the literature nor previou sly identified by our laboratory. Computational analyses (biochemical amino acid properties, conservation, PolyPhen2, SIFT, AlignGVGD) do not provide strong sup port for or against pathogenicity. In the absence of additional information, th e clinical significance of this variant cannot be determined.

NM_170707.4(LMNA):c.860C>T (p.Ala287Val)

Gene: LMNA (lamin A/C; plus strand). Cytogenetic location: 1q22.
Variant type: single nucleotide variant.
Coding change: c.860C>T on transcript NM_170707.4 (MANE Select); coding-DNA position 860, C replaced by T.
Protein change: p.Ala287Val; replaces alanine 287 with valine.
Molecular consequence: missense variant.
Genome position (GRCh38, 1-based): chr1:156,135,236, C>T. VCF-style: chr1-156135236-C-T. GRCh37 (hg19) VCF-style: chr1-156105027-C-T.
Other names: c.524C>T, p.Ala175Val (NM_001257374.3); c.617C>T, p.Ala206Val (NM_001282624.2); c.860C>T, p.Ala287Val (NM_001282625.2, NM_001282626.2, NM_005572.4 and 1 more transcripts); short protein forms A287V, A175V, A206V.
Identifiers: ClinVar variation 48087 (VCV000048087.15), dbSNP rs397517910, ClinGen allele CA018764.